The following is an entry in ClinVar:

NM_004963.4(GUCY2C):c.2063G>A (p.Arg688Gln)

Gene: GUCY2C (guanylate cyclase 2C; minus strand). Cytogenetic location: 12p12.3.
Variant type: single nucleotide variant.
Coding change: c.2063G>A on transcript NM_004963.4 (MANE Select); coding-DNA position 2063, G replaced by A.
Protein change: p.Arg688Gln; replaces arginine 688 with glutamine.
Molecular consequence: missense variant.
Genome position (GRCh38, 1-based): chr12:14,641,087, C>T on the plus strand (G>A on the coding strand, the complement: GUCY2C is on the minus strand). VCF-style: chr12-14641087-C-T. GRCh37 (hg19) VCF-style: chr12-14794021-C-T.
Other names: c.2063G>A (NM_004963.3); short protein forms R688Q.
Identifiers: ClinVar variation 1518577 (VCV001518577.9), dbSNP rs747192873, ClinGen allele CA6463202.

ClinVar aggregate classification (germline): Conflicting classifications of pathogenicity. Review status: criteria provided, conflicting classifications (1 of 4 stars). 2 submissions from 2 submitters: Uncertain significance (1); Likely benign (1). Last evaluated 2025-10-27.

Conditions:
Inborn genetic diseases. Identifiers: MedGen C0950123, MeSH D030342.

Allele frequency attached by ClinVar (database versions not stated): gnomAD 0.00003; TOPMed 0.00003.
gnomAD v4.1: 111 of 1,613,262 alleles (0.0069%); highest among the groups gnomAD compares: Middle Eastern, 0.12%; no homozygotes.

Submissions (2):

Labcorp Genetics (formerly Invitae), Labcorp
Classification: Uncertain significance. Last evaluated: 2025-10-27. Review status: criteria provided, single submitter. Criteria: Invitae Variant Classification Sherloc (09022015). Collection method: clinical testing. Allele origin: germline.
Comment: This sequence change replaces arginine, which is basic and polar, with glutamine, which is neutral and polar, at codon 688 of the GUCY2C protein (p.Arg688Gln). This variant is present in population databases (rs747192873, gnomAD 0.01%). This variant has not been reported in the literature in individuals affected with GUCY2C-related conditions. ClinVar contains an entry for this variant (Variation ID: 1518577). Invitae Evidence Modeling of protein sequence and biophysical properties (such as structural, functional, and spatial information, amino acid conservation, physicochemical variation, residue mobility, and thermodynamic stability) indicates that this missense variant is not expected to disrupt GUCY2C protein function with a negative predictive value of 80%. In summary, the available evidence is currently insufficient to determine the role of this variant in disease. Therefore, it has been classified as a Variant of Uncertain Significance.

Ambry Genetics
Classification: Likely benign for Inborn genetic diseases. Last evaluated: 2021-11-12. Review status: criteria provided, single submitter. Criteria: Ambry Variant Classification Scheme 2023. Collection method: clinical testing. Allele origin: germline.